The following is an entry in ClinVar:

ClinVar aggregate classification (germline): Conflicting classifications of pathogenicity. Review status: criteria provided, conflicting classifications (1 of 4 stars). 3 submissions from 3 submitters: Uncertain significance (2); Likely benign (1). Last evaluated 2025-11-11.

Conditions:
Emery-Dreifuss muscular dystrophy (EDMD). Also called: Scapuloperoneal syndrome, X-linked (formerly); Humeroperoneal neuromuscular disease, (formerly). Identifiers: Orphanet 261, MedGen C0410189, MONDO:0016830.

gnomAD v4.1: 20 of 1,612,160 alleles (0.0012%); highest among the groups gnomAD compares: African/African-American, 0.011%; no homozygotes.

Submissions (3):

Labcorp Genetics (formerly Invitae), Labcorp
Classification: Uncertain significance for Emery-Dreifuss muscular dystrophy. Last evaluated: 2025-11-11. Review status: criteria provided, single submitter. Criteria: Invitae Variant Classification Sherloc (09022015). Collection method: clinical testing. Allele origin: germline.
Comment: This sequence change replaces alanine, which is neutral and non-polar, with threonine, which is neutral and polar, at codon 93 of the SUN2 protein (p.Ala93Thr). This variant is present in population databases (rs142753729, gnomAD 0.01%). This variant has not been reported in the literature in individuals affected with SUN2-related conditions. ClinVar contains an entry for this variant (Variation ID: 3803014). An algorithm developed to predict the effect of missense changes on protein structure and function outputs the following: PolyPhen-2: "Benign". The threonine amino acid residue is found in multiple mammalian species, which suggests that this missense change does not adversely affect protein function. In summary, the available evidence is currently insufficient to determine the role of this variant in disease. Therefore, it has been classified as a Variant of Uncertain Significance.

Ambry Genetics
Classification: Uncertain significance. Last evaluated: 2025-03-01. Review status: criteria provided, single submitter. Criteria: Ambry Variant Classification Scheme 2023. Collection method: clinical testing. Allele origin: germline.

Mayo Clinic Laboratories, Mayo Clinic
Classification: Likely benign. Last evaluated: 2025-01-21. Review status: criteria provided, single submitter. Criteria: ACMG Guidelines, 2015. Collection method: clinical testing. Allele origin: germline. Observed: 1 variant allele.
Comment: BP4_moderate

NM_015374.3(SUN2):c.277G>A (p.Ala93Thr)

Gene: SUN2 (Sad1 and UNC84 domain containing 2; minus strand). Cytogenetic location: 22q13.1.
Variant type: single nucleotide variant.
Coding change: c.277G>A on transcript NM_015374.3 (MANE Select); coding-DNA position 277, G replaced by A.
Protein change: p.Ala93Thr; replaces alanine 93 with threonine.
Molecular consequence: missense variant. On other transcripts: intron variant (1).
Genome position (GRCh38, 1-based): chr22:38,751,219, C>T on the plus strand (G>A on the coding strand, the complement: SUN2 is on the minus strand). VCF-style: chr22-38751219-C-T. GRCh37 (hg19) VCF-style: chr22-39147224-C-T.
Other names: p.Ala93Thr; c.277G>A, p.Ala93Thr (NM_001394427.1, NM_001394428.1, NM_001394429.1 and 16 more transcripts); c.187G>A, p.Ala63Thr (NM_001394438.1); c.122+1288G>A (NM_001394443.1); short protein forms A63T, A93T.
Identifiers: ClinVar variation 3803014 (VCV003803014.3).